The following is an entry in ClinVar:

ClinVar aggregate classification (germline): Benign (1 of 4 stars; one submission).

Allele frequency attached by ClinVar (database versions not stated): 1000 Genomes Project 0.63898; 1000 Genomes Project 30x 0.64460; gnomAD 0.68473 and 0.69082; TOPMed 0.68719.
gnomAD v4.1: 104,063 of 152,094 alleles (68%); highest among the groups gnomAD compares: African/African-American, 80%; 36,297 homozygotes.

Submission:

GeneDx
Classification: Benign. Last evaluated: 2018-06-19. Review status: criteria provided, single submitter. Criteria: GeneDx Variant Classification (06012015). Collection method: clinical testing. Allele origin: germline. Affected: yes.
Comment: This variant is considered likely benign or benign based on one or more of the following criteria: it is a conservative change, it occurs at a poorly conserved position in the protein, it is predicted to be benign by multiple in silico algorithms, and/or has population frequency not consistent with disease.

NM_004522.3(KIF5C):c.2445+283A>G

Gene: KIF5C (kinesin family member 5C; plus strand). Cytogenetic location: 2q23.2.
Variant type: single nucleotide variant.
Coding change: c.2445+283A>G on transcript NM_004522.3 (MANE Select); 283 bases into the intron after coding-DNA position 2445, A replaced by G.
Molecular consequence: intron variant.
Genome position (GRCh38, 1-based): chr2:149,005,747, A>G. VCF-style: chr2-149005747-A-G. GRCh37 (hg19) VCF-style: chr2-149862261-A-G.
Identifiers: ClinVar variation 683976 (VCV000683976.1), dbSNP rs4667372, ClinGen allele CA11199751.